The following is an entry in ClinVar:

ClinVar aggregate classification (germline): Uncertain significance. Review status: criteria provided, multiple submitters, no conflicts (2 of 4 stars). 2 submissions from 2 submitters: Uncertain significance (2). Last evaluated 2026-01-28.

Conditions:
Nephronophthisis 15 (NPHP15). Identifiers: Orphanet 3156, MedGen C3541853, MONDO:0013917, OMIM 614845.

Allele frequency attached by ClinVar (database versions not stated): gnomAD exomes below 0.00001; TOPMed below 0.00001; gnomAD 0.00001.
gnomAD v4.1: 2 of 1,613,972 alleles (0.00012%); highest among the groups gnomAD compares: African/African-American, 0.0013%; no homozygotes.

Submissions (2):

Women's Health and Genetics/Laboratory Corporation of America, LabCorp
Classification: Uncertain significance. Last evaluated: 2026-01-28. Review status: criteria provided, single submitter. Criteria: LabCorp Variant Classification Summary - May 2015. Collection method: clinical testing. Allele origin: germline.
Comment: Variant summary: CEP164 c.3703G>C (p.Glu1235Gln) results in a conservative amino acid change in the encoded protein sequence. Algorithms developed to predict the effect of missense changes on protein structure and function all suggest that this variant is likely to be tolerated. The variant was absent in 251144 control chromosomes. The available data on variant occurrences in the general population are insufficient to allow any conclusion about variant significance. To our knowledge, no occurrence of c.3703G>C in individuals affected with CEP164-related conditions and no experimental evidence demonstrating its impact on protein function have been reported. ClinVar contains an entry for this variant (Variation ID: 1007847). Based on the evidence outlined above, the variant was classified as uncertain significance.

Labcorp Genetics (formerly Invitae), Labcorp
Classification: Uncertain significance for Nephronophthisis 15. Last evaluated: 2025-07-28. Review status: criteria provided, single submitter. Criteria: Invitae Variant Classification Sherloc (09022015). Collection method: clinical testing. Allele origin: germline.
Comment: This sequence change replaces glutamic acid, which is acidic and polar, with glutamine, which is neutral and polar, at codon 1235 of the CEP164 protein (p.Glu1235Gln). This variant is not present in population databases (gnomAD no frequency). This variant has not been reported in the literature in individuals affected with CEP164-related conditions. ClinVar contains an entry for this variant (Variation ID: 1007847). Invitae Evidence Modeling of protein sequence and biophysical properties (such as structural, functional, and spatial information, amino acid conservation, physicochemical variation, residue mobility, and thermodynamic stability) indicates that this missense variant is not expected to disrupt CEP164 protein function with a negative predictive value of 80%. In summary, the available evidence is currently insufficient to determine the role of this variant in disease. Therefore, it has been classified as a Variant of Uncertain Significance.

NM_014956.5(CEP164):c.3703G>C (p.Glu1235Gln)

Gene: CEP164 (centrosomal protein 164; plus strand). Cytogenetic location: 11q23.3.
Variant type: single nucleotide variant.
Coding change: c.3703G>C on transcript NM_014956.5 (MANE Select); coding-DNA position 3703, G replaced by C.
Protein change: p.Glu1235Gln; replaces glutamic acid 1235 with glutamine.
Molecular consequence: missense variant.
Genome position (GRCh38, 1-based): chr11:117,408,983, G>C. VCF-style: chr11-117408983-G-C. GRCh37 (hg19) VCF-style: chr11-117279699-G-C.
Other names: c.3712G>C, p.Glu1238Gln (NM_001271933.2); short protein forms E1235Q, E1238Q.
Identifiers: ClinVar variation 1007847 (VCV001007847.9), dbSNP rs1179932970, ClinGen allele CA382742528.